The following is an entry in ClinVar:

ClinVar aggregate classification (germline): Uncertain significance (1 of 4 stars; one submission).

Submission:

Labcorp Genetics (formerly Invitae), Labcorp
Classification: Uncertain significance. Last evaluated: 2025-08-11. Review status: criteria provided, single submitter. Criteria: Invitae Variant Classification Sherloc (09022015). Collection method: clinical testing. Allele origin: germline.
Comment: This sequence change replaces lysine, which is basic and polar, with glutamic acid, which is acidic and polar, at codon 57 of the GNB3 protein (p.Lys57Glu). This variant is not present in population databases (gnomAD no frequency). This variant has not been reported in the literature in individuals affected with GNB3-related conditions. ClinVar contains an entry for this variant (Variation ID: 2012275). Invitae Evidence Modeling of protein sequence and biophysical properties (such as structural, functional, and spatial information, amino acid conservation, physicochemical variation, residue mobility, and thermodynamic stability) indicates that this missense variant is expected to disrupt GNB3 protein function with a positive predictive value of 80%. In summary, the available evidence is currently insufficient to determine the role of this variant in disease. Therefore, it has been classified as a Variant of Uncertain Significance.

NM_002075.4(GNB3):c.169A>G (p.Lys57Glu)

Gene: GNB3 (G protein subunit beta 3; plus strand). Cytogenetic location: 12p13.31.
Variant type: single nucleotide variant.
Coding change: c.169A>G on transcript NM_002075.4 (MANE Select); coding-DNA position 169, A replaced by G.
Protein change: p.Lys57Glu; replaces lysine 57 with glutamic acid.
Molecular consequence: missense variant.
Genome position (GRCh38, 1-based): chr12:6,843,042, A>G. VCF-style: chr12-6843042-A-G. GRCh37 (hg19) VCF-style: chr12-6952206-A-G.
Other names: c.169A>G, p.Lys57Glu (NM_001297571.2); short protein forms K57E.
Identifiers: ClinVar variation 2012275 (VCV002012275.4), dbSNP rs2542348363, ClinGen allele CA383671752.